The following is an entry in ClinVar:

ClinVar aggregate classification (germline): Likely benign. Review status: criteria provided, multiple submitters, no conflicts (2 of 4 stars). 3 submissions from 3 submitters: Likely benign (2). 1 of the submissions does not count toward it. Last evaluated 2026-01-13.

Conditions:
Glycogen storage disease IXa1. Also called: LIVER GLYCOGENOSIS, X-LINKED, TYPE I; GLYCOGEN STORAGE DISEASE VIII; GSD VIII; Glycogen storage disease 8. Identifiers: Orphanet 264580, MedGen C3694531, MONDO:0010598, OMIM 306000.
PHKA2-related disorder. Also called: PHKA2-related condition.

Allele frequency attached by ClinVar (database versions not stated): TOPMed 0.00005; gnomAD 0.00006; ExAC 0.00010.
gnomAD v4.1: 88 of 1,209,579 alleles (0.0073%); highest among the groups gnomAD compares: Non-Finnish European, 0.0057%; no homozygotes.

Submissions (3):

Labcorp Genetics (formerly Invitae), Labcorp
Classification: Likely benign for Glycogen storage disease IXa1. Last evaluated: 2026-01-13. Review status: criteria provided, single submitter. Criteria: Invitae Variant Classification Sherloc (09022015). Collection method: clinical testing. Allele origin: germline.

Blueprint Genetics
Classification: Likely benign. Last evaluated: 2024-10-01. Review status: criteria provided, single submitter. Criteria: ACMG Guidelines, 2015. Collection method: clinical testing. Allele origin: germline.

PreventionGenetics, part of Exact Sciences
Classification: Likely benign for PHKA2-related condition. Last evaluated: 2019-09-17. Review status: no assertion criteria provided. Collection method: clinical testing. Allele origin: germline. Not counted in ClinVar's aggregate classification.
Comment: This variant is classified as likely benign based on ACMG/AMP sequence variant interpretation guidelines (Richards et al. 2015 PMID: 25741868, with internal and published modifications).

NM_000292.3(PHKA2):c.354C>T (p.Thr118=)

Gene: PHKA2 (phosphorylase kinase regulatory subunit alpha 2; minus strand). Cytogenetic location: Xp22.13.
Variant type: single nucleotide variant.
Coding change: c.354C>T on transcript NM_000292.3 (MANE Select); coding-DNA position 354, C replaced by T.
Protein change: p.Thr118=; no amino-acid change (threonine 118 retained).
Molecular consequence: synonymous variant.
Genome position (GRCh38, 1-based): chrX:18,951,204, G>A on the plus strand (C>T on the coding strand, the complement: PHKA2 is on the minus strand). VCF-style: chrX-18951204-G-A. GRCh37 (hg19) VCF-style: chrX-18969322-G-A.
Other names: c.354C>T (NM_000292.2).
Identifiers: ClinVar variation 2890618 (VCV002890618.6), dbSNP rs201548823, ClinGen allele CA10362127.